The following is an entry in ClinVar:

ClinVar aggregate classification (germline): Likely benign. Review status: criteria provided, multiple submitters, no conflicts (2 of 4 stars). 4 submissions from 4 submitters: Likely benign (3). 1 of the submissions does not count toward it. Last evaluated 2026-01-23.

Conditions:
ERMARD-related disorder. Also called: ERMARD-related condition.

Allele frequency attached by ClinVar (database versions not stated): ESP Exome Variant Server 0.00292; TOPMed 0.00292; gnomAD exomes 0.00024 and 0.00066; ExAC 0.00078; 1000 Genomes Project 30x 0.00234; gnomAD 0.00249 and 0.00270; 1000 Genomes Project 0.00260.
gnomAD v4.1: 742 of 1,614,136 alleles (0.046%); highest among the groups gnomAD compares: African/African-American, 0.89%; 9 homozygotes.

Submissions (4):

Labcorp Genetics (formerly Invitae), Labcorp
Classification: Likely benign. Last evaluated: 2026-01-23. Review status: criteria provided, single submitter. Criteria: Invitae Variant Classification Sherloc (09022015). Collection method: clinical testing. Allele origin: germline.

GeneDx
Classification: Likely benign. Last evaluated: 2016-12-16. Review status: criteria provided, single submitter. Criteria: GeneDx Variant Classification (06012015). Collection method: clinical testing. Allele origin: germline. Affected: yes.
Comment: This variant is considered likely benign or benign based on one or more of the following criteria: it is a conservative change, it occurs at a poorly conserved position in the protein, it is predicted to be benign by multiple in silico algorithms, and/or has population frequency not consistent with disease.

Genetic Services Laboratory, University of Chicago
Classification: Likely benign. Last evaluated: 2016-06-03. Review status: criteria provided, single submitter. Criteria: ACMG Guidelines, 2015. Collection method: clinical testing. Allele origin: germline. Affected: no.

PreventionGenetics, part of Exact Sciences
Classification: Benign for ERMARD-related condition. Last evaluated: 2019-05-28. Review status: no assertion criteria provided. Collection method: clinical testing. Allele origin: germline. Not counted in ClinVar's aggregate classification.
Comment: This variant is classified as benign based on ACMG/AMP sequence variant interpretation guidelines (Richards et al. 2015 PMID: 25741868, with internal and published modifications).

NM_018341.3(ERMARD):c.265C>A (p.Gln89Lys)

Gene: ERMARD (ER membrane associated RNA degradation; plus strand). Cytogenetic location: 6q27.
Variant type: single nucleotide variant.
Coding change: c.265C>A on transcript NM_018341.3 (MANE Select); coding-DNA position 265, C replaced by A.
Protein change: p.Gln89Lys; replaces glutamine 89 with lysine.
Molecular consequence: missense variant. On other transcripts: 5 prime UTR variant (1).
Genome position (GRCh38, 1-based): chr6:169,755,372, C>A. VCF-style: chr6-169755372-C-A. GRCh37 (hg19) VCF-style: chr6-170155468-C-A.
Other names: c.265C>A, p.Gln89Lys (NM_001278531.2, NM_001278533.2); c.-114C>A (NM_001278532.2); short protein forms Q89K.
Identifiers: ClinVar variation 384878 (VCV000384878.18), dbSNP rs148450358, ClinGen allele CA4105779.